The following is an entry in ClinVar:

GRCh38/hg38 19q13.12(chr19:35811865-35846292)x0

Genes: PRODH2 (proline dehydrogenase 2; minus strand), NPHS1 (NPHS1 adhesion molecule, nephrin; minus strand). Cytogenetic location: 19q13.12.
Variant type: copy number loss.
Change: copy number 0 (both copies lost) of chr19:35,811,865-35,846,292 (34.4 kb, GRCh38 coordinates, 1-based), cytogenetic band 19q13.12.
Identifiers: ClinVar variation 2579207 (VCV002579207.1).

ClinVar aggregate classification (germline): Pathogenic (1 of 4 stars; one submission).

Conditions:
Finnish congenital nephrotic syndrome (NPHS1). Also called: NEPHROTIC SYNDROME, TYPE 1. Identifiers: Orphanet 839, MedGen C0403399, MONDO:0009732, OMIM 256300.

Submission:

Broad Center for Mendelian Genomics, Broad Institute of MIT and Harvard
Classification: Pathogenic for Finnish congenital nephrotic syndrome. Last evaluated: 2023-08-24. Review status: criteria provided, single submitter. Criteria: ACMG/ClinGen CNV Guidelines, 2019. Collection method: research. Allele origin: unknown. Inheritance: Autosomal recessive inheritance. Affected: yes.
Comment: These breakpoints have been estimated by exome sequencing only and therefore may not reflect the true breakpoints. Inheritance information is unavailable. The patient phenotype is nonspecific, but is consistent with cases described in the literature and/or published databases with overlapping variants. There is overlap with the 3’ end of the NPHS1 gene including coding sequence. This alteration is then predicted to lead to a truncated or absent protein. Loss of function of NPHS1 is an established disease mechanism in autosomal recessive nephrotic syndrome. In summary, this variant meets criteria to be classified as pathogenic for autosomal recessive nephrotic syndrome. The ACMG/ClinGen evidence codes and points used in this curation are as follows: 1: 0 points, 2: 0.90 points, 4-5: 0.15 points; Total: 1.05 points; Riggs 2020 (PMID: 31690835)